The following is an entry in ClinVar:

ClinVar aggregate classification (germline): Uncertain significance (0 of 4 stars; one submission).

Conditions:
NR2F1-related disorder. Also called: NR2F1-related condition.

gnomAD v4.1: 14 of 1,610,446 alleles (0.00087%); highest among the groups gnomAD compares: Non-Finnish European, 0.0012%; no homozygotes.

Submission:

PreventionGenetics, part of Exact Sciences
Classification: Uncertain significance for NR2F1-related condition. Last evaluated: 2024-07-16. Review status: no assertion criteria provided. Collection method: clinical testing. Allele origin: germline.
Comment: The NR2F1 c.514G>C variant is predicted to result in the amino acid substitution p.Ala172Pro. To our knowledge, this variant has not been reported in the literature. This variant is reported in 0.00089% of alleles in individuals of European (Non-Finnish) descent in gnomAD. At this time, the clinical significance of this variant is uncertain due to the absence of conclusive functional and genetic evidence.

NM_005654.6(NR2F1):c.514G>C (p.Ala172Pro)

Gene: NR2F1 (nuclear receptor subfamily 2 group F member 1; plus strand). Cytogenetic location: 5q15.
Variant type: single nucleotide variant.
Coding change: c.514G>C on transcript NM_005654.6 (MANE Select); coding-DNA position 514, G replaced by C.
Protein change: p.Ala172Pro; replaces alanine 172 with proline.
Molecular consequence: missense variant.
Genome position (GRCh38, 1-based): chr5:93,587,967, G>C. VCF-style: chr5-93587967-G-C. GRCh37 (hg19) VCF-style: chr5-92923673-G-C.
Other names: c.64G>C, p.Ala22Pro (NM_001410754.1); short protein forms A172P, A22P.
Identifiers: ClinVar variation 3353136 (VCV003353136.1).